The following is an entry in ClinVar:

ClinVar aggregate classification (germline): Uncertain significance (1 of 4 stars; one submission).

Allele frequency attached by ClinVar (database versions not stated): gnomAD 0.00001; gnomAD exomes 0.00001.
gnomAD v4.1: 5 of 1,614,006 alleles (0.00031%); highest among the groups gnomAD compares: Admixed American, 0.0083%; no homozygotes.

Submission:

Labcorp Genetics (formerly Invitae), Labcorp
Classification: Uncertain significance. Last evaluated: 2023-06-26. Review status: criteria provided, single submitter. Criteria: Invitae Variant Classification Sherloc (09022015). Collection method: clinical testing. Allele origin: germline.
Comment: In summary, the available evidence is currently insufficient to determine the role of this variant in disease. Therefore, it has been classified as a Variant of Uncertain Significance. Advanced modeling of protein sequence and biophysical properties (such as structural, functional, and spatial information, amino acid conservation, physicochemical variation, residue mobility, and thermodynamic stability) performed at Invitae indicates that this missense variant is not expected to disrupt ARSG protein function. This sequence change replaces glutamine, which is neutral and polar, with glutamic acid, which is acidic and polar, at codon 377 of the ARSG protein (p.Gln377Glu). This variant is not present in population databases (gnomAD no frequency). This variant has not been reported in the literature in individuals affected with ARSG-related conditions. ClinVar contains an entry for this variant (Variation ID: 1928831).

NM_001267727.2(ARSG):c.1129C>G (p.Gln377Glu)

Gene: ARSG (arylsulfatase G; plus strand). Cytogenetic location: 17q24.2.
Variant type: single nucleotide variant.
Coding change: c.1129C>G on transcript NM_001267727.2 (MANE Select); coding-DNA position 1129, C replaced by G.
Protein change: p.Gln377Glu; replaces glutamine 377 with glutamic acid.
Molecular consequence: missense variant.
Genome position (GRCh38, 1-based): chr17:68,395,110, C>G. VCF-style: chr17-68395110-C-G. GRCh37 (hg19) VCF-style: chr17-66391251-C-G.
Other names: c.1129C>G, p.Gln377Glu (NM_001352899.2, NM_001352900.2, NM_001352901.2 and 3 more transcripts); c.1126C>G, p.Gln376Glu (NM_001352903.2, NM_001352904.2, NM_001352905.2 and 2 more transcripts); c.1081C>G, p.Gln361Glu (NM_001352909.2); short protein forms Q376E, Q361E, Q377E.
Identifiers: ClinVar variation 1928831 (VCV001928831.5), dbSNP rs2081180045, ClinGen allele CA400747041.
Genomic context (GRCh38, chr17:68,395,110, plus strand): 5'-ACTCAGTCTTGTTATTTCCGCAGCGTGCTGGACATTTTTCCAACTGTGGTAGCCCTGGCC[C>G]AGGCCAGCTTACCTCAAGGACGGCGCTTTGATGGTGTGGACGTCTCCGAGGTGCTCTTTG-3'
Protein context (NP_001254656.1, residues 367-387): DIFPTVVALA[Gln377Glu]ASLPQGRRFD